The following is an entry in ClinVar:

NM_004006.3(DMD):c.2600A>G (p.Lys867Arg)

Gene: DMD (dystrophin; minus strand). Cytogenetic location: Xp21.1.
Variant type: single nucleotide variant.
Coding change: c.2600A>G on transcript NM_004006.3 (MANE Select); coding-DNA position 2600, A replaced by G.
Protein change: p.Lys867Arg; replaces lysine 867 with arginine.
Molecular consequence: missense variant.
Genome position (GRCh38, 1-based): chrX:32,491,299, T>C on the plus strand (A>G on the coding strand, the complement: DMD is on the minus strand). VCF-style: chrX-32491299-T-C. GRCh37 (hg19) VCF-style: chrX-32509416-T-C.
Other names: c.2576A>G, p.Lys859Arg (NM_000109.4); c.2588A>G, p.Lys863Arg (NM_004009.3); c.2231A>G, p.Lys744Arg (NM_004010.3); short protein forms K863R, K744R, K859R, K867R.
Identifiers: ClinVar variation 1793669 (VCV001793669.8), dbSNP rs766057861, ClinGen allele CA10379490.

ClinVar aggregate classification (germline): Conflicting classifications of pathogenicity. Review status: criteria provided, conflicting classifications (1 of 4 stars). 2 submissions from 2 submitters: Uncertain significance (1); Likely benign (1). Last evaluated 2025-08-24.

Conditions:
Duchenne muscular dystrophy (DMD). Also called: MUSCULAR DYSTROPHY, PSEUDOHYPERTROPHIC PROGRESSIVE, DUCHENNE TYPE; Duchenne Muscular Dystrophy (DMD). Identifiers: Orphanet 98896, MedGen C0013264, MONDO:0010679, OMIM 310200.
Dilated cardiomyopathy 3B (CMD3B). Also called: CMD3B: DMD-Related Dilated Cardiomyopathy; CARDIOMYOPATHY, DILATED, X-LINKED; DMD-Associated Dilated Cardiomyopathy. Identifiers: Orphanet 154, MedGen C3668940, MONDO:0010542, OMIM 302045.
Becker muscular dystrophy (BMD). Also called: MUSCULAR DYSTROPHY, PSEUDOHYPERTROPHIC PROGRESSIVE, BECKER TYPE; Becker Muscular Dystrophy (BMD). Identifiers: Orphanet 98895, MedGen C0917713, MONDO:0010311, OMIM 300376.
Cardiovascular phenotype. Identifiers: MedGen CN230736.

Allele frequency attached by ClinVar (database versions not stated): ExAC 0.00001.
gnomAD v4.1: 8 of 1,210,333 alleles (0.00066%); highest among the groups gnomAD compares: Non-Finnish European, 0.00078%; no homozygotes.

Submissions (2):

Labcorp Genetics (formerly Invitae), Labcorp
Classification: Likely benign for Duchenne muscular dystrophy. Last evaluated: 2025-08-24. Review status: criteria provided, single submitter. Criteria: Invitae Variant Classification Sherloc (09022015). Collection method: clinical testing. Allele origin: germline.

Ambry Genetics
Classification: Uncertain significance for Cardiovascular phenotype. Last evaluated: 2021-11-09. Review status: criteria provided, single submitter. Criteria: Ambry Variant Classification Scheme 2023. Collection method: clinical testing. Allele origin: germline.
Comment: The p.K867R variant (also known as c.2600A>G), located in coding exon 20 of the DMD gene, results from an A to G substitution at nucleotide position 2600. The lysine at codon 867 is replaced by arginine, an amino acid with highly similar properties. Based on data from gnomAD, the G allele has an overall frequency of 0.002% (4/205427) total alleles studied, with 0 hemizygote(s) observed. The highest observed frequency was 0.003% (3/92732) of European (non-Finnish) alleles. This amino acid position is well conserved in available vertebrate species. In addition, this alteration is predicted to be tolerated by in silico analysis. Since supporting evidence is limited at this time, the clinical significance of this alteration remains unclear.